The following is an entry in ClinVar:

NM_032756.4(HPDL):c.1066G>C (p.Ala356Pro)

Gene: HPDL (4-hydroxyphenylpyruvate dioxygenase like; plus strand). Cytogenetic location: 1p34.1.
Variant type: single nucleotide variant.
Coding change: c.1066G>C on transcript NM_032756.4 (MANE Select); coding-DNA position 1066, G replaced by C.
Protein change: p.Ala356Pro; replaces alanine 356 with proline.
Molecular consequence: missense variant.
Genome position (GRCh38, 1-based): chr1:45,328,214, G>C. VCF-style: chr1-45328214-G-C. GRCh37 (hg19) VCF-style: chr1-45793886-G-C.
Other names: short protein forms A356P.
Identifiers: ClinVar variation 3256610 (VCV003256610.1).

ClinVar aggregate classification (germline): Likely pathogenic (1 of 4 stars; one submission).

Conditions:
Spastic paraplegia 83, autosomal recessive. Identifiers: Orphanet 631076, MedGen C5436637, MONDO:0033614, OMIM 619027.
Neurodevelopmental disorder with progressive spasticity and brain white matter abnormalities. Also called: CEREBRAL PALSY, SPASTIC QUADRIPLEGIC, 1. Identifiers: Orphanet 210141, Orphanet 641353, MedGen C5436628, MONDO:0033613, OMIM 619026.

Submission:

Concord Molecular Medicine Laboratory, Concord Repatriation General Hospital
Classification: Likely pathogenic for Spastic paraplegia 83, autosomal recessive; Neurodevelopmental disorder with progressive spasticity and brain white matter abnormalities. Last evaluated: 2024-07-30. Review status: criteria provided, single submitter. Criteria: ACMG Guidelines, 2015. Collection method: clinical testing. Allele origin: germline. Inheritance: Autosomal recessive inheritance. Affected: yes. Observed: 1 compound heterozygote.
Comment: This rare substitution predicts an amino acid change from alanine to proline in codon 356 of the HPDL protein, p.(Ala356Pro). It is located in the 4-hydroxyphenylpyruvate dioxygenase domain (IPR005956). In silico analysis by REVEL suggests this variant to be damaging (score: 0.87).